The following is an entry in ClinVar:

ClinVar aggregate classification (germline): Uncertain significance (1 of 4 stars; one submission).

Conditions:
DPM3-congenital disorder of glycosylation (MDDGC15). Also called: MUSCULAR DYSTROPHY-DYSTROGLYCANOPATHY (LIMB-GIRDLE), TYPE C, 15; CDG Io; CDG1(DPM3); DPM3-CDG. Identifiers: Orphanet 263494, MedGen C2752007, MONDO:0013049, OMIM 612937.

Allele frequency attached by ClinVar (database versions not stated): gnomAD exomes 0.00002.

Submission:

Labcorp Genetics (formerly Invitae), Labcorp
Classification: Uncertain significance for DPM3-congenital disorder of glycosylation. Last evaluated: 2022-02-04. Review status: criteria provided, single submitter. Criteria: Invitae Variant Classification Sherloc (09022015). Collection method: clinical testing. Allele origin: germline.
Comment: This sequence change replaces leucine, which is neutral and non-polar, with serine, which is neutral and polar, at codon 32 of the DPM3 protein (p.Leu32Ser). This variant is not present in population databases (gnomAD no frequency). This variant has not been reported in the literature in individuals affected with DPM3-related conditions. ClinVar contains an entry for this variant (Variation ID: 661452). Algorithms developed to predict the effect of missense changes on protein structure and function output the following: SIFT: "Tolerated"; PolyPhen-2: "Benign"; Align-GVGD: "Class C0". The serine amino acid residue is found in multiple mammalian species, which suggests that this missense change does not adversely affect protein function. In summary, the available evidence is currently insufficient to determine the role of this variant in disease. Therefore, it has been classified as a Variant of Uncertain Significance.

NM_153741.2(DPM3):c.95T>C (p.Leu32Ser)

Gene: DPM3 (dolichyl-phosphate mannosyltransferase subunit 3, regulatory; minus strand). Cytogenetic location: 1q22.
Variant type: single nucleotide variant.
Coding change: c.95T>C on transcript NM_153741.2 (MANE Select); coding-DNA position 95, T replaced by C.
Protein change: p.Leu32Ser; replaces leucine 32 with serine.
Molecular consequence: missense variant.
Genome position (GRCh38, 1-based): chr1:155,140,146, A>G on the plus strand (T>C on the coding strand, the complement: DPM3 is on the minus strand). VCF-style: chr1-155140146-A-G. GRCh37 (hg19) VCF-style: chr1-155112622-A-G.
Other names: c.185T>C, p.Leu62Ser (NM_018973.4); short protein forms L32S, L62S.
Identifiers: ClinVar variation 661452 (VCV000661452.6), dbSNP rs959102245, ClinGen allele CA30863425.